The following is an entry in ClinVar:

ClinVar aggregate classification (germline): Likely benign. Review status: reviewed by expert panel (3 of 4 stars). 2 submissions from 2 submitters: Likely benign (1). 1 of the submissions does not count toward it. Last evaluated 2024-09-18.

Conditions:
Hereditary thrombocytopenia and hematologic cancer predisposition syndrome. Identifiers: Orphanet 71290, MedGen CN281654, MONDO:0011071.
Hereditary thrombocytopenia and hematological cancer predisposition syndrome associated with RUNX1. Also called: Familial Platelet Disorder with Propensity to Acute Myelogenous Leukemia; Familial thrombocytopenia with propensity to acute myelogenous leukemia; PLATELET DISORDER, ASPIRIN-LIKE; RUNX1 Familial Platelet Disorder with Associated Myeloid Malignancies. Identifiers: Orphanet 71290, MedGen C1832388, MeSH C563324, MONDO:0100083, OMIM 601399.

Submissions (2):

ClinGen Myeloid Malignancy Variant Curation Expert Panel
Classification: Likely benign for Hereditary thrombocytopenia and hematologic cancer predisposition syndrome. Last evaluated: 2024-09-18. Review status: reviewed by expert panel. Criteria: ClinGen MyeloMalig ACMG Specifications v2. Collection method: curation. Allele origin: germline. Inheritance: Autosomal dominant inheritance.
Comment: NM_001754.5(RUNX1):c.509-7C>T is an intronic variant which is not predicted by SpliceAI to impact splicing (BP4). Additionally, an evolutionary conservation algorithm predicts the site as not being highly conserved (PhyloP score = 1.55845 in GRCh38), and the variant allele is the reference nucleotide in one primate and/or three mammal species (BP7). In summary, this variant meets the criteria to be classified as likely benign for hereditary thrombocytopenia and hematologic cancer predisposition syndrome based on the ACMG/AMP criteria applied, as specified by the ClinGen Myeloid Malignancy VCEP: BP4, BP7, and PM2_supporting.

Labcorp Genetics (formerly Invitae), Labcorp
Classification: Likely benign for Hereditary thrombocytopenia and hematological cancer predisposition syndrome associated with RUNX1. Last evaluated: 2022-09-22. Review status: criteria provided, single submitter. Criteria: Invitae Variant Classification Sherloc (09022015). Collection method: clinical testing. Allele origin: germline. Not counted in ClinVar's aggregate classification.

NM_001754.5(RUNX1):c.509-7C>T

Genes: RUNX1 (RUNX family transcription factor 1; minus strand), RUNX1-AS1 (RUNX1 antisense RNA 1; plus strand). Cytogenetic location: 21q22.12.
Variant type: single nucleotide variant.
Coding change: c.509-7C>T on transcript NM_001754.5 (MANE Select); 7 bases into the intron before coding-DNA position 509, C replaced by T.
Molecular consequence: intron variant.
Genome position (GRCh38, 1-based): chr21:34,859,585, G>A on the plus strand (C>T on the coding strand, the complement: RUNX1 is on the minus strand). VCF-style: chr21-34859585-G-A. GRCh37 (hg19) VCF-style: chr21-36231882-G-A.
Other names: c.428-7C>T (NM_001001890.3, NM_001122607.2).
Identifiers: ClinVar variation 2063095 (VCV002063095.5), dbSNP rs2057542782, ClinGen allele CA645608317.